The following is an entry in ClinVar:

ClinVar aggregate classification (germline): Likely pathogenic (1 of 4 stars; one submission).

Conditions:
Fanconi renotubular syndrome 5. Also called: FANCONI RENOTUBULAR SYNDROME, ACADIAN VARIANT. Identifiers: MedGen C5394473, MONDO:0030056, OMIM 618913.
Mitochondrial complex I deficiency, nuclear type 17. Also called: Mitochondrial complex 1 deficiency, nuclear type 17. Identifiers: MedGen C4748786, MONDO:0032622, OMIM 618239.

Submission:

Juno Genomics, Hangzhou Juno Genomics, Inc
Classification: Likely pathogenic for Fanconi renotubular syndrome 5; Mitochondrial complex I deficiency, nuclear type 17. Review status: criteria provided, single submitter. Criteria: ACMG Guidelines, 2015. Collection method: clinical testing. Allele origin: germline.
Comment: Null variant in a gene where loss of function (LOF) is a known mechanism of disease.;Absent from controls (or at extremely low frequency if recessive) in Genome Aggregation Database.

NM_152416.4(NDUFAF6):c.221T>A (p.Leu74Ter)

Gene: NDUFAF6 (NADH:ubiquinone oxidoreductase complex assembly factor 6; plus strand). Cytogenetic location: 8q22.1.
Variant type: single nucleotide variant.
Coding change: c.221T>A on transcript NM_152416.4 (MANE Select); coding-DNA position 221, T replaced by A.
Protein change: p.Leu74Ter; replaces leucine 74 with a stop codon.
Molecular consequence: nonsense. On other transcripts: 5 prime UTR variant (17), non-coding transcript variant (6), intron variant (1).
Genome position (GRCh38, 1-based): chr8:95,032,018, T>A. VCF-style: chr8-95032018-T-A. GRCh37 (hg19) VCF-style: chr8-96044246-T-A.
Other names: c.-60T>A (NM_001330582.2, NM_001354514.2, NM_001354515.2 and 1 more transcripts); c.65T>A, p.Leu22Ter (NM_001354516.2); c.-232T>A (NM_001354518.2); c.-228T>A (NM_001354519.2); c.-360T>A (NM_001354522.2, NM_001354529.2); c.-433T>A (NM_001354524.2, NM_001354525.2); c.-577T>A (NM_001354527.2); c.-548T>A (NM_001354528.2); and 6 more; short protein forms L74*, L22*.
Identifiers: ClinVar variation 5007353 (VCV005007353.2).